The following is an entry in ClinVar:

NM_182914.3(SYNE2):c.20542C>T (p.Arg6848Cys)

Gene: SYNE2 (spectrin repeat containing nuclear envelope protein 2; plus strand). Cytogenetic location: 14q23.2.
Variant type: single nucleotide variant.
Coding change: c.20542C>T on transcript NM_182914.3 (MANE Select); coding-DNA position 20542, C replaced by T.
Protein change: p.Arg6848Cys; replaces arginine 6848 with cysteine.
Molecular consequence: missense variant.
Genome position (GRCh38, 1-based): chr14:64,225,344, C>T. VCF-style: chr14-64225344-C-T. GRCh37 (hg19) VCF-style: chr14-64692062-C-T.
Other names: c.20476C>T, p.Arg6826Cys (NM_015180.6); c.1108C>T, p.Arg370Cys (NM_182910.2); c.1489C>T, p.Arg497Cys (NM_182913.4); short protein forms R6848C, R370C, R6826C, R497C.
Identifiers: ClinVar variation 193957 (VCV000193957.17), dbSNP rs201472187, ClinGen allele CA239699.

ClinVar aggregate classification (germline): Conflicting classifications of pathogenicity. Review status: criteria provided, conflicting classifications (1 of 4 stars). 3 submissions from 3 submitters: Uncertain significance (2); Likely benign (1). Last evaluated 2018-01-13.

Conditions:
Emery-Dreifuss muscular dystrophy 5, autosomal dominant (EDMD5). Also called: EMERY-DREIFUSS MUSCULAR DYSTROPHY 5. Identifiers: Orphanet 261, MedGen C2751805, MONDO:0013072, OMIM 612999.

Allele frequency attached by ClinVar (database versions not stated): TOPMed 0.00003; gnomAD 0.00004 and 0.00005; ExAC 0.00005; 1000 Genomes Project 30x 0.00016; 1000 Genomes Project 0.00020.
gnomAD v4.1: 53 of 1,614,110 alleles (0.0033%); highest among the groups gnomAD compares: South Asian, 0.0077%; no homozygotes.

Submissions (3):

Illumina Laboratory Services, Illumina
Classification: Likely benign for Emery-Dreifuss muscular dystrophy 5, autosomal dominant. Last evaluated: 2018-01-13. Review status: criteria provided, single submitter. Criteria: ICSL Variant Classification Criteria 13 December 2019. Collection method: clinical testing. Allele origin: germline.
Comment: This variant was observed in the ICSL laboratory as part of a predisposition screen in an ostensibly healthy population. It had not been previously curated by ICSL or reported in the Human Gene Mutation Database (HGMD: prior to June 1st, 2018), and was therefore a candidate for classification through an automated scoring system. Utilizing variant allele frequency, disease prevalence and penetrance estimates, and inheritance mode, an automated score was calculated to assess if this variant is too frequent to cause the disease. Based on the score and internal cut-off values, a variant classified as likely benign is not then subjected to further curation. The score for this variant resulted in a classification of likely benign for this disease.

Labcorp Genetics (formerly Invitae), Labcorp
Classification: Uncertain significance for Emery-Dreifuss muscular dystrophy 5, autosomal dominant. Last evaluated: 2017-06-18. Review status: criteria provided, single submitter. Criteria: Invitae Variant Classification Sherloc (09022015). Collection method: clinical testing. Allele origin: germline.
Comment: In summary, this variant has uncertain impact on SYNE2 function. The available evidence is currently insufficient to determine its role in disease. Therefore, it has been classified as a Variant of Uncertain Significance. Algorithms developed to predict the effect of missense changes on protein structure and function do not agree on the potential impact of this missense change (SIFT: "Deleterious"; PolyPhen-2: "Benign"; Align-GVGD: "Class C0"). This variant has not been reported in the literature in individuals with a SYNE2-related disease. ClinVar contains an entry for this variant (Variation ID: 193957). This variant is present in population databases (rs201472187, ExAC 0.009%). This sequence change replaces arginine with cysteine at codon 6848 of the SYNE2 protein (p.Arg6848Cys). The arginine residue is moderately conserved and there is a large physicochemical difference between arginine and cysteine.

Eurofins Ntd Llc (ga)
Classification: Uncertain significance. Last evaluated: 2015-03-23. Review status: criteria provided, single submitter. Criteria: EGL Classification Definitions 2015. Collection method: clinical testing. Allele origin: germline. Observed: 1 variant allele, 1 heterozygote.